The following is an entry in ClinVar:

NM_177438.3(DICER1):c.1196A>C (p.Glu399Ala)

Gene: DICER1 (dicer 1, ribonuclease III; minus strand). Cytogenetic location: 14q32.13.
Variant type: single nucleotide variant.
Coding change: c.1196A>C on transcript NM_177438.3 (MANE Select); coding-DNA position 1196, A replaced by C.
Protein change: p.Glu399Ala; replaces glutamic acid 399 with alanine.
Molecular consequence: missense variant.
Genome position (GRCh38, 1-based): chr14:95,124,376, T>G on the plus strand (A>C on the coding strand, the complement: DICER1 is on the minus strand). VCF-style: chr14-95124376-T-G. GRCh37 (hg19) VCF-style: chr14-95590713-T-G.
Other names: c.1196A>C, p.Glu399Ala (NM_001195573.1, NM_001271282.3, NM_001291628.2 and 1 more transcripts); short protein forms E399A.
Identifiers: ClinVar variation 543620 (VCV000543620.12), dbSNP rs1555374703, ClinGen allele CA390886748.

ClinVar aggregate classification (germline): Uncertain significance. Review status: criteria provided, multiple submitters, no conflicts (2 of 4 stars). 2 submissions from 2 submitters: Uncertain significance (2). Last evaluated 2022-07-06.

Conditions:
DICER1-related tumor predisposition. Also called: DICER1-related pleuropulmonary blastoma cancer predisposition syndrome; DICER1 syndrome. Identifiers: Orphanet 284343, MedGen C3839822, MONDO:0100216.
Hereditary cancer-predisposing syndrome. Also called: Neoplastic Syndromes, Hereditary; Tumor predisposition; Hereditary Cancer Syndrome; Hereditary neoplastic syndrome. Identifiers: Orphanet 140162, MedGen C0027672, MeSH D009386, MONDO:0015356.

Submissions (2):

Labcorp Genetics (formerly Invitae), Labcorp
Classification: Uncertain significance for DICER1-related tumor predisposition. Last evaluated: 2022-07-06. Review status: criteria provided, single submitter. Criteria: Invitae Variant Classification Sherloc (09022015). Collection method: clinical testing. Allele origin: germline.
Comment: In summary, the available evidence is currently insufficient to determine the role of this variant in disease. Therefore, it has been classified as a Variant of Uncertain Significance. Algorithms developed to predict the effect of missense changes on protein structure and function (SIFT, PolyPhen-2, Align-GVGD) all suggest that this variant is likely to be disruptive. ClinVar contains an entry for this variant (Variation ID: 543620). This variant has not been reported in the literature in individuals affected with DICER1-related conditions. This variant is not present in population databases (gnomAD no frequency). This sequence change replaces glutamic acid, which is acidic and polar, with alanine, which is neutral and non-polar, at codon 399 of the DICER1 protein (p.Glu399Ala).

Ambry Genetics
Classification: Uncertain significance for Hereditary cancer-predisposing syndrome. Last evaluated: 2022-04-22. Review status: criteria provided, single submitter. Criteria: Ambry Variant Classification Scheme 2023. Collection method: clinical testing. Allele origin: germline.
Comment: The p.E399A variant (also known as c.1196A>C), located in coding exon 7 of the DICER1 gene, results from an A to C substitution at nucleotide position 1196. The glutamic acid at codon 399 is replaced by alanine, an amino acid with dissimilar properties. This amino acid position is conserved. In addition, the in silico prediction for this alteration is inconclusive. Since supporting evidence is limited at this time, the clinical significance of this alteration remains unclear.